The following is an entry in ClinVar:

ClinVar aggregate classification (germline): Pathogenic (0 of 4 stars; one submission).

Conditions:
Keratoconus 1 (KTCN1). Identifiers: MedGen C1835677, MONDO:0007851, OMIM 148300.

Submission:

Willoughby Group, Queen's University Belfast
Classification: Pathogenic for Keratoconus 1. Review status: no assertion criteria provided. Collection method: not provided. Allele origin: germline.
ClinVar note: Converted during submission from pathogenic to Pathogenic.

NM_001367624.2(ZNF469):c.5681A>T (p.Gln1894Leu)

Gene: ZNF469 (zinc finger protein 469; plus strand). Cytogenetic location: 16q24.2.
Variant type: single nucleotide variant.
Coding change: c.5681A>T on transcript NM_001367624.2 (MANE Select); coding-DNA position 5681, A replaced by T.
Protein change: p.Gln1894Leu; replaces glutamine 1894 with leucine.
Molecular consequence: missense variant.
Genome position (GRCh38, 1-based): chr16:88,433,151, A>T. VCF-style: chr16-88433151-A-T. GRCh37 (hg19) VCF-style: chr16-88499559-A-T.
Other names: short protein forms Q1894L.
Identifiers: ClinVar variation 126944 (VCV000126944.2), dbSNP rs281865150, ClinGen allele CA151327.
Genomic context (GRCh38, chr16:88,433,151, plus strand): 5'-GGTTGGTCCCTGTGCCAAGTCCCGCCTGTGTATCCAACACCCACCCTAGCAGGAGGTCCC[A>T]GGACCCAGCTTTGAGCCCCCCCATACGTCAGCTCCAGCTCCCAGGGCCTGGAGTGGCTAA-3'
Protein context (NP_001354553.1, residues 1884-1904): VSNTHPSRRS[Gln1894Leu]DPALSPPIRQ